The following is an entry in ClinVar:

NM_001113378.2(FANCI):c.2669C>T (p.Thr890Ile)

Gene: FANCI (FA complementation group I; plus strand). Cytogenetic location: 15q26.1.
Variant type: single nucleotide variant.
Coding change: c.2669C>T on transcript NM_001113378.2 (MANE Select); coding-DNA position 2669, C replaced by T.
Protein change: p.Thr890Ile; replaces threonine 890 with isoleucine.
Molecular consequence: missense variant.
Genome position (GRCh38, 1-based): chr15:89,299,832, C>T. VCF-style: chr15-89299832-C-T. GRCh37 (hg19) VCF-style: chr15-89843063-C-T.
Other names: c.2390C>T, p.Thr797Ile (NM_001376910.1); c.2669C>T, p.Thr890Ile (NM_001376911.1); c.2489C>T, p.Thr830Ile (NM_018193.3); short protein forms T797I, T830I, T890I.
Identifiers: ClinVar variation 1319327 (VCV001319327.4), dbSNP rs1022708692, ClinGen allele CA274521699.

ClinVar aggregate classification (germline): Uncertain significance. Review status: criteria provided, multiple submitters, no conflicts (2 of 4 stars). 2 submissions from 2 submitters: Uncertain significance (2). Last evaluated 2026-08-06.

Submissions (2):

OLLIN Analises Genomicas, OLLIN
Classification: Uncertain significance. Last evaluated: 2026-08-06. Review status: criteria provided, single submitter. Criteria: ACMG Guidelines 2015 PMID 25741868. Collection method: clinical testing. Allele origin: germline.
Comment: This missense variant, located in exon 25 (of 38), is absent from gnomAD and has not been identified in the literature. However, it has been reported in ClinVar (accession VCV001319327.3). In silico analysis predicts that this variant has a tolerated effect. According to the currently available evidence, this variant has been classified as uncertain significance (PM2_P, BP4).

Institute for Clinical Genetics, University Hospital TU Dresden, University Hospital TU Dresden
Classification: Uncertain significance. Last evaluated: 2021-11-03. Review status: criteria provided, single submitter. Criteria: ACMG Guidelines, 2015. Collection method: clinical testing. Allele origin: germline.